The following is an entry in ClinVar:

NM_003235.5(TG):c.5992C>T (p.Arg1998Ter)

Gene: TG (thyroglobulin; plus strand). Cytogenetic location: 8q24.22.
Variant type: single nucleotide variant.
Coding change: c.5992C>T on transcript NM_003235.5 (MANE Select); coding-DNA position 5992, C replaced by T.
Protein change: p.Arg1998Ter; replaces arginine 1998 with a stop codon.
Molecular consequence: nonsense.
Genome position (GRCh38, 1-based): chr8:132,971,810, C>T. VCF-style: chr8-132971810-C-T. GRCh37 (hg19) VCF-style: chr8-133984055-C-T.
Other names: short protein forms R1998*.
Identifiers: ClinVar variation 1706957 (VCV001706957.5), dbSNP rs777075341, ClinGen allele CA4884722.

ClinVar aggregate classification (germline): Pathogenic/Likely pathogenic. Review status: criteria provided, multiple submitters, no conflicts (2 of 4 stars). 2 submissions from 2 submitters: Pathogenic (1); Likely pathogenic (1). Last evaluated 2024-10-21.

Allele frequency attached by ClinVar (database versions not stated): ExAC 0.00001; gnomAD 0.00001.
gnomAD v4.1: 15 of 1,613,236 alleles (0.00093%); highest among the groups gnomAD compares: Middle Eastern, 0.016%; no homozygotes.

Submissions (2):

Labcorp Genetics (formerly Invitae), Labcorp
Classification: Pathogenic. Last evaluated: 2024-10-21. Review status: criteria provided, single submitter. Criteria: Invitae Variant Classification Sherloc (09022015). Collection method: clinical testing. Allele origin: germline.
Comment: This sequence change creates a premature translational stop signal (p.Arg1998*) in the TG gene. It is expected to result in an absent or disrupted protein product. Loss-of-function variants in TG are known to be pathogenic (PMID: 19837936, 23164529). This variant is present in population databases (rs777075341, gnomAD 0.007%). This premature translational stop signal has been observed in individual(s) with TG-related conditions (PMID: 32425884). ClinVar contains an entry for this variant (Variation ID: 1706957). For these reasons, this variant has been classified as Pathogenic.

GeneDx
Classification: Likely pathogenic. Last evaluated: 2022-03-24. Review status: criteria provided, single submitter. Criteria: GeneDx Variant Classification Process June 2021. Collection method: clinical testing. Allele origin: germline. Affected: yes.
Comment: Identified with a second TG variant in an individual with congenital hypothyroidism, however, detailed clinical and segregation information was not provided (Wang et al., 2020); Nonsense variant predicted to result in protein truncation or nonsense-mediated decay in a gene for which loss of function is a known mechanism of disease; Not observed at significant frequency in large population cohorts (gnomAD); This variant is associated with the following publications: (PMID: 32459320, 32425884)

Literature cited by the submitters: PubMed 19837936 (cited by Labcorp Genetics (formerly Invitae), Labcorp); PubMed 23164529 (cited by Labcorp Genetics (formerly Invitae), Labcorp); PubMed 32425884 (cited by Labcorp Genetics (formerly Invitae), Labcorp).